The following is an entry in ClinVar:

ClinVar aggregate classification (germline): Conflicting classifications of pathogenicity. Review status: criteria provided, conflicting classifications (1 of 4 stars). 4 submissions from 4 submitters: Uncertain significance (1); Likely benign (2). 1 of the submissions does not count toward it. Last evaluated 2026-02-01.

Conditions:
Peroxisome biogenesis disorder 2B (PBD2B). Identifiers: Orphanet 44, MedGen C3550234, MONDO:0008736, OMIM 202370.
PEX5-related disorder. Also called: PEX5-related condition; PEX5-Related Disorders.

Allele frequency attached by ClinVar (database versions not stated): ExAC 0.00001; TOPMed 0.00001; gnomAD exomes 0.00002; ESP Exome Variant Server 0.00008.
gnomAD v4.1: 50 of 1,612,684 alleles (0.0031%); highest among the groups gnomAD compares: Middle Eastern, 0.21%; no homozygotes.

Submissions (4):

Labcorp Genetics (formerly Invitae), Labcorp
Classification: Likely benign for Peroxisome biogenesis disorder 2B. Last evaluated: 2026-02-01. Review status: criteria provided, single submitter. Criteria: Invitae Variant Classification Sherloc (09022015). Collection method: clinical testing. Allele origin: germline.

Blueprint Genetics
Classification: Likely benign. Last evaluated: 2024-11-06. Review status: criteria provided, single submitter. Criteria: ACMG Guidelines, 2015. Collection method: clinical testing. Allele origin: germline.

Eurofins Ntd Llc (ga)
Classification: Uncertain significance. Last evaluated: 2017-01-05. Review status: criteria provided, single submitter. Criteria: EGL Classification Definitions 2015. Collection method: clinical testing. Allele origin: germline. Observed: 1 variant allele, 1 heterozygote.

PreventionGenetics, part of Exact Sciences
Classification: Likely benign for PEX5-related condition. Last evaluated: 2019-11-22. Review status: no assertion criteria provided. Collection method: clinical testing. Allele origin: germline. Not counted in ClinVar's aggregate classification.
Comment: This variant is classified as likely benign based on ACMG/AMP sequence variant interpretation guidelines (Richards et al. 2015 PMID: 25741868, with internal and published modifications).

NM_001351132.2(PEX5):c.1111-4C>G

Gene: PEX5 (peroxisomal biogenesis factor 5; plus strand). Cytogenetic location: 12p13.31.
Variant type: single nucleotide variant.
Coding change: c.1111-4C>G on transcript NM_001351132.2 (MANE Select); 4 bases into the intron before coding-DNA position 1111, C replaced by G.
Molecular consequence: intron variant.
Genome position (GRCh38, 1-based): chr12:7,208,006, C>G. VCF-style: chr12-7208006-C-G. GRCh37 (hg19) VCF-style: chr12-7360602-C-G.
Other names: c.1000-4C>G (NM_001351124.3, NM_001351126.2, NM_001374646.1 and 7 more transcripts); c.1111-4C>G (NM_001131026.2, NM_001351131.2, NM_001374647.2 and 4 more transcripts); c.976-4C>G (NM_001374649.2, NM_001351140.2, NM_001351139.2); c.1045-4C>G (NM_001351135.3, NM_001351138.2); c.1156-4C>G (NM_001131023.2); c.1102-4C>G (NM_001351136.2); c.1087-4C>G (NM_000319.5).
Identifiers: ClinVar variation 499518 (VCV000499518.18), dbSNP rs376699778, ClinGen allele CA6426373.